The following is an entry in ClinVar:

NM_001174147.2(LMX1B):c.745C>T (p.Arg249Ter)

Gene: LMX1B (LIM homeobox transcription factor 1 beta; plus strand). Cytogenetic location: 9q33.3.
Variant type: single nucleotide variant.
Coding change: c.745C>T on transcript NM_001174147.2 (MANE Select); coding-DNA position 745, C replaced by T.
Protein change: p.Arg249Ter; replaces arginine 249 with a stop codon.
Molecular consequence: nonsense.
Genome position (GRCh38, 1-based): chr9:126,693,527, C>T. VCF-style: chr9-126693527-C-T. GRCh37 (hg19) VCF-style: chr9-129455806-C-T.
Other names: R226*; c.745C>T, p.Arg249Ter (NM_001174146.2, NM_002316.4); short protein forms R249*.
Identifiers: ClinVar variation 7010 (VCV000007010.17), dbSNP rs121909492, ClinGen allele CA254062.

ClinVar aggregate classification (germline): Pathogenic. Review status: criteria provided, multiple submitters, no conflicts (2 of 4 stars). 6 submissions from 6 submitters: Pathogenic (4). 2 of the submissions do not count toward it. Last evaluated 2025-09-28.

Conditions:
LMX1B-related disorder. Also called: LMX1B-related condition.
Nail-patella syndrome (NPS). Also called: FONG DISEASE; TURNER-KIESER SYNDROME; ONYCHOOSTEODYSPLASIA. Identifiers: Orphanet 2614, MedGen C0027341, MONDO:0008061, OMIM 161200.

Allele frequency attached by ClinVar (database versions not stated): gnomAD exomes below 0.00001.
gnomAD v4.1: 2 of 1,613,956 alleles (0.00012%); highest among the groups gnomAD compares: Non-Finnish European, 0.000085%; no homozygotes.

Submissions (6):

Labcorp Genetics (formerly Invitae), Labcorp
Classification: Pathogenic. Last evaluated: 2025-09-28. Review status: criteria provided, single submitter. Criteria: Invitae Variant Classification Sherloc (09022015). Collection method: clinical testing. Allele origin: germline.
Comment: This sequence change creates a premature translational stop signal (p.Arg249*) in the LMX1B gene. It is expected to result in an absent or disrupted protein product. Loss-of-function variants in LMX1B are known to be pathogenic (PMID: 9590287, 15498463). This variant is present in population databases (rs121909492, gnomAD 0.003%). This premature translational stop signal has been observed in individual(s) with Nail-Patella Syndrome (PMID: 9837817). ClinVar contains an entry for this variant (Variation ID: 7010). For these reasons, this variant has been classified as Pathogenic.

Laboratory of Genetics, Children's Clinical University Hospital Latvia
Classification: Pathogenic. Last evaluated: 2025-02-16. Review status: criteria provided, single submitter. Criteria: ACMG Guidelines, 2015. Collection method: clinical testing. Allele origin: germline. Affected: yes.

GeneDx
Classification: Pathogenic. Last evaluated: 2023-09-08. Review status: criteria provided, single submitter. Criteria: GeneDx Variant Classification Process June 2021. Collection method: clinical testing. Allele origin: germline. Affected: yes.
Comment: Nonsense variant predicted to result in protein truncation or nonsense mediated decay in a gene for which loss of function is a known mechanism of disease; This variant is associated with the following publications: (PMID: 25525159, 34426522, 9837817)

Blueprint Genetics
Classification: Pathogenic for LMX1B-related disorders. Last evaluated: 2023-01-16. Review status: criteria provided, single submitter. Criteria: ACMG Guidelines, 2015. Collection method: clinical testing. Allele origin: germline. Affected: yes. Observed: 2 variant alleles.

Bioscientia Institut fuer Medizinische Diagnostik GmbH, Sonic Healthcare
Classification: Pathogenic for Nail-patella syndrome. Last evaluated: 2017-09-18. Review status: no assertion criteria provided. Collection method: clinical testing. Allele origin: germline. Affected: yes. Not counted in ClinVar's aggregate classification.

OMIM
Classification: Pathogenic for NAIL-PATELLA SYNDROME. Last evaluated: 1998-12-01. Review status: no assertion criteria provided. Collection method: literature only. Allele origin: germline. Not counted in ClinVar's aggregate classification.

Literature cited by the submitters: PubMed 9590287 (cited by Labcorp Genetics (formerly Invitae), Labcorp); PubMed 15498463 (cited by Labcorp Genetics (formerly Invitae), Labcorp); PubMed 9837817 (cited by Labcorp Genetics (formerly Invitae), Labcorp and OMIM).